The following is an entry in ClinVar:

NM_000038.6(APC):c.4505G>C (p.Cys1502Ser)

Gene: APC (APC regulator of Wnt signaling pathway; plus strand). Cytogenetic location: 5q22.2.
Variant type: single nucleotide variant.
Coding change: c.4505G>C on transcript NM_000038.6 (MANE Select); coding-DNA position 4505, G replaced by C.
Protein change: p.Cys1502Ser; replaces cysteine 1502 with serine.
Molecular consequence: missense variant.
Genome position (GRCh38, 1-based): chr5:112,840,099, G>C. VCF-style: chr5-112840099-G-C. GRCh37 (hg19) VCF-style: chr5-112175796-G-C.
Other names: c.4505G>C, p.Cys1502Ser (NM_001127510.3, NM_001354895.2); c.4451G>C, p.Cys1484Ser (NM_001127511.3); c.4559G>C, p.Cys1520Ser (NM_001354896.2); c.4535G>C, p.Cys1512Ser (NM_001354897.2); c.4430G>C, p.Cys1477Ser (NM_001354898.2); c.4421G>C, p.Cys1474Ser (NM_001354899.2); c.4382G>C, p.Cys1461Ser (NM_001354900.2); c.4328G>C, p.Cys1443Ser (NM_001354901.2); and 5 more; short protein forms C1219S, C1376S, C1401S, C1443S, C1477S, C1484S, C1502S, C1512S.
Identifiers: ClinVar variation 824953 (VCV000824953.54), dbSNP rs878853446, ClinGen allele CA16031190.

ClinVar aggregate classification (germline): Uncertain significance. Review status: criteria provided, multiple submitters, no conflicts (2 of 4 stars). 4 submissions from 4 submitters: Uncertain significance (4). Last evaluated 2025-12-16.

Conditions:
Hereditary cancer-predisposing syndrome. Also called: Neoplastic Syndromes, Hereditary; Tumor predisposition; Hereditary neoplastic syndrome; Hereditary Cancer Syndrome. Identifiers: Orphanet 140162, MedGen C0027672, MeSH D009386, MONDO:0015356.
Classic or attenuated familial adenomatous polyposis. Identifiers: MedGen CN372698, MONDO:0021057.
Familial adenomatous polyposis 1 (FAP1). Also called: POLYPOSIS, ADENOMATOUS INTESTINAL; FAMILIAL ADENOMATOUS POLYPOSIS 1, ATTENUATED. Identifiers: MedGen C2713442, MONDO:0021056, OMIM 175100. Disease mechanism: loss of function.

Submissions (4):

Labcorp Genetics (formerly Invitae), Labcorp
Classification: Uncertain significance for Familial adenomatous polyposis 1. Last evaluated: 2025-12-16. Review status: criteria provided, single submitter. Criteria: Invitae Variant Classification Sherloc (09022015). Collection method: clinical testing. Allele origin: germline.
Comment: This sequence change replaces cysteine, which is neutral and slightly polar, with serine, which is neutral and polar, at codon 1502 of the APC protein (p.Cys1502Ser). This variant is not present in population databases (gnomAD no frequency). This variant has not been reported in the literature in individuals affected with APC-related conditions. ClinVar contains an entry for this variant (Variation ID: 824953). Invitae Evidence Modeling of protein sequence and biophysical properties (such as structural, functional, and spatial information, amino acid conservation, physicochemical variation, residue mobility, and thermodynamic stability) indicates that this missense variant is not expected to disrupt APC protein function with a negative predictive value of 95%. In summary, the available evidence is currently insufficient to determine the role of this variant in disease. Therefore, it has been classified as a Variant of Uncertain Significance.

Ambry Genetics
Classification: Uncertain significance for Hereditary cancer-predisposing syndrome. Last evaluated: 2025-12-03. Review status: criteria provided, single submitter. Criteria: Ambry Variant Classification Scheme 2023. Collection method: clinical testing. Allele origin: germline.
Comment: The p.C1502S variant (also known as c.4505G>C), located in coding exon 15 of the APC gene, results from a G to C substitution at nucleotide position 4505. The cysteine at codon 1502 is replaced by serine, an amino acid with dissimilar properties. This amino acid position is well conserved in available vertebrate species. In addition, in silico predictors for this gene do not accurately predict pathogenicity. Since supporting evidence is limited at this time, the clinical significance of this alteration remains unclear.

Color Diagnostics, LLC DBA Color Health
Classification: Uncertain significance for Hereditary cancer-predisposing syndrome. Last evaluated: 2025-06-29. Review status: criteria provided, single submitter. Criteria: ACMG Guidelines, 2015. Collection method: clinical testing. Allele origin: germline.
Comment: This missense variant replaces cysteine with serine at codon 1502 of the APC protein. Computational prediction is inconclusive regarding the impact of this variant on protein structure and function. To our knowledge, functional studies have not been reported for this variant. This variant has not been reported in individuals affected with APC-related disorders in the literature. This variant has not been identified in the general population by the Genome Aggregation Database (gnomAD). The available evidence is insufficient to determine the role of this variant in disease conclusively. Therefore, this variant is classified as a Variant of Uncertain Significance.

All of Us Research Program, National Institutes of Health
Classification: Uncertain significance for Classic or attenuated familial adenomatous polyposis. Last evaluated: 2023-12-01. Review status: criteria provided, single submitter. Criteria: ACMG Guidelines, 2015. Collection method: clinical testing. Allele origin: germline. Inheritance: Autosomal dominant inheritance. Observed: 1 variant allele, 1 heterozygote.
Comment: This study involves interpretation of variants in research participants for the purpose of population health screening. Participant phenotype was not available at the time of variant classification. Additional details can be found in publication PMID: 35346344, PMCID: PMC8962531